The following is an entry in ClinVar:

ClinVar aggregate classification (germline): Uncertain significance. Review status: criteria provided, multiple submitters, no conflicts (2 of 4 stars). 2 submissions from 2 submitters: Uncertain significance (2). Last evaluated 2023-10-08.

Conditions:
Hereditary cancer-predisposing syndrome. Also called: Neoplastic Syndromes, Hereditary; Tumor predisposition; Hereditary Cancer Syndrome; Hereditary neoplastic syndrome. Identifiers: Orphanet 140162, MedGen C0027672, MeSH D009386, MONDO:0015356.

gnomAD v4.1: 1 of 1,613,804 alleles (0.000062%); highest among the groups gnomAD compares: South Asian, 0.0011%; no homozygotes.

Submissions (2):

Ambry Genetics
Classification: Uncertain significance for Hereditary cancer-predisposing syndrome. Last evaluated: 2023-10-08. Review status: criteria provided, single submitter. Criteria: Ambry Variant Classification Scheme 2023. Collection method: clinical testing. Allele origin: germline.
Comment: The p.D1007V variant (also known as c.3020A>T), located in coding exon 19 of the RAD50 gene, results from an A to T substitution at nucleotide position 3020. The aspartic acid at codon 1007 is replaced by valine, an amino acid with highly dissimilar properties. This amino acid position is conserved. In addition, this alteration is predicted to be deleterious by in silico analysis. Since supporting evidence is limited at this time, the clinical significance of this alteration remains unclear.

Labcorp Genetics (formerly Invitae), Labcorp
Classification: Uncertain significance for Hereditary cancer-predisposing syndrome. Last evaluated: 2022-03-26. Review status: criteria provided, single submitter. Criteria: Invitae Variant Classification Sherloc (09022015). Collection method: clinical testing. Allele origin: germline.
Comment: In summary, the available evidence is currently insufficient to determine the role of this variant in disease. Therefore, it has been classified as a Variant of Uncertain Significance. Algorithms developed to predict the effect of missense changes on protein structure and function are either unavailable or do not agree on the potential impact of this missense change (SIFT: "Deleterious"; PolyPhen-2: "Probably Damaging"; Align-GVGD: "Class C0"). This variant has not been reported in the literature in individuals affected with RAD50-related conditions. This variant is not present in population databases (gnomAD no frequency). This sequence change replaces aspartic acid, which is acidic and polar, with valine, which is neutral and non-polar, at codon 1007 of the RAD50 protein (p.Asp1007Val).

NM_005732.4(RAD50):c.3020A>T (p.Asp1007Val)

Gene: RAD50 (RAD50 double strand break repair protein; plus strand). Cytogenetic location: 5q31.1.
Variant type: single nucleotide variant.
Coding change: c.3020A>T on transcript NM_005732.4 (MANE Select); coding-DNA position 3020, A replaced by T.
Protein change: p.Asp1007Val; replaces aspartic acid 1007 with valine.
Molecular consequence: missense variant.
Genome position (GRCh38, 1-based): chr5:132,609,380, A>T. VCF-style: chr5-132609380-A-T. GRCh37 (hg19) VCF-style: chr5-131945072-A-T.
Other names: c.3020A>T (NM_005732.3); short protein forms D1007V.
Identifiers: ClinVar variation 2113042 (VCV002113042.5), dbSNP rs2479371796, ClinGen allele CA360961020.